The following is an entry in ClinVar:

ClinVar aggregate classification (germline): Uncertain significance (1 of 4 stars; one submission).

Conditions:
Hereditary cancer-predisposing syndrome. Also called: Tumor predisposition; Neoplastic Syndromes, Hereditary; Hereditary neoplastic syndrome; Hereditary Cancer Syndrome. Identifiers: Orphanet 140162, MedGen C0027672, MeSH D009386, MONDO:0015356.

Submission:

Ambry Genetics
Classification: Uncertain significance for Hereditary cancer-predisposing syndrome. Last evaluated: 2025-09-04. Review status: criteria provided, single submitter. Criteria: Ambry Variant Classification Scheme 2023. Collection method: clinical testing. Allele origin: germline.
Comment: The p.S144A variant (also known as c.430T>G), located in coding exon 3 of the MSH3 gene, results from a T to G substitution at nucleotide position 430. The serine at codon 144 is replaced by alanine, an amino acid with similar properties. This amino acid position is conserved. In addition, this alteration is predicted to be tolerated by in silico analysis. Based on the available evidence, the clinical significance of this variant remains unclear.

NM_002439.5(MSH3):c.430T>G (p.Ser144Ala)

Gene: MSH3 (mutS homolog 3; plus strand). Cytogenetic location: 5q14.1.
Variant type: single nucleotide variant.
Coding change: c.430T>G on transcript NM_002439.5 (MANE Select); coding-DNA position 430, T replaced by G.
Protein change: p.Ser144Ala; replaces serine 144 with alanine.
Molecular consequence: missense variant.
Genome position (GRCh38, 1-based): chr5:80,665,214, T>G. VCF-style: chr5-80665214-T-G. GRCh37 (hg19) VCF-style: chr5-79961033-T-G.
Other names: short protein forms S144A.
Identifiers: ClinVar variation 4111125 (VCV004111125.1).